The following is an entry in ClinVar:

ClinVar aggregate classification (germline): Uncertain significance (1 of 4 stars; one submission).

Conditions:
Congenital myopathy with internal nuclei and atypical cores. Also called: Myopathy, centronuclear, 4. Identifiers: Orphanet 319160, MedGen C4707232, MONDO:0013890, OMIM 614807.

Submission:

Labcorp Genetics (formerly Invitae), Labcorp
Classification: Uncertain significance for Congenital myopathy with internal nuclei and atypical cores. Last evaluated: 2024-12-31. Review status: criteria provided, single submitter. Criteria: Invitae Variant Classification Sherloc (09022015). Collection method: clinical testing. Allele origin: germline.
Comment: This sequence change falls in intron 7 of the CCDC78 gene. It does not directly change the encoded amino acid sequence of the CCDC78 protein. It affects a nucleotide within the consensus splice site. This variant is not present in population databases (gnomAD no frequency). This variant has not been reported in the literature in individuals affected with CCDC78-related conditions. ClinVar contains an entry for this variant (Variation ID: 2011585). Variants that disrupt the consensus splice site are a relatively common cause of aberrant splicing (PMID: 17576681, 9536098). Algorithms developed to predict the effect of sequence changes on RNA splicing suggest that this variant may disrupt the consensus splice site. In summary, the available evidence is currently insufficient to determine the role of this variant in disease. Therefore, it has been classified as a Variant of Uncertain Significance.

Literature cited by the submitters: PubMed 17576681; PubMed 9536098.

NM_001378030.1(CCDC78):c.639+4A>G

Gene: CCDC78 (coiled-coil domain containing 78; minus strand). Cytogenetic location: 16p13.3.
Variant type: single nucleotide variant.
Coding change: c.639+4A>G on transcript NM_001378030.1 (MANE Select); 4 bases into the intron after coding-DNA position 639, A replaced by G.
Molecular consequence: intron variant. On other transcripts: non-coding transcript variant (1).
Genome position (GRCh38, 1-based): chr16:724,907, T>C on the plus strand (A>G on the coding strand, the complement: CCDC78 is on the minus strand). VCF-style: chr16-724907-T-C. GRCh37 (hg19) VCF-style: chr16-774907-T-C.
Other names: c.198+171A>G (NM_001378033.1); c.639+4A>G (NM_001378031.1, NM_001031737.3).
Identifiers: ClinVar variation 2011585 (VCV002011585.4), dbSNP rs2544023341, ClinGen allele CA493013441.
Genomic context (GRCh38, chr16:724,907, plus strand): 5'-ACCCCGGCTGAGCTTCTGGGGCCCCCACCCTCCAGGTCTCCAAGCAGTCAGGGCAGAGCC[T>C]CACCACAGCCTGTGTGGCCAGTCGCTGCCCGGCTGCCCTGGCCTCCTCTCGGGCTCCCTG-3'